The following is an entry in ClinVar:

ClinVar aggregate classification (germline): Conflicting classifications of pathogenicity. Review status: criteria provided, conflicting classifications (1 of 4 stars). 7 submissions from 7 submitters: Uncertain significance (1); Likely benign (4). 2 of the submissions do not count toward it. Last evaluated 2025-12-18.

Conditions:
NEK8-related disorder. Also called: NEK8-related condition.
Nephronophthisis 9 (NPHP9). Identifiers: Orphanet 655, MedGen C3151188, MONDO:0013444, OMIM 613824.

Allele frequency attached by ClinVar (database versions not stated): ExAC 0.00007; ESP Exome Variant Server 0.00008; gnomAD exomes 0.00011; TOPMed 0.00017; gnomAD 0.00019.

Submissions (7):

PreventionGenetics, part of Exact Sciences
Classification: Likely benign for NEK8-related condition. Last evaluated: 2025-12-18. Review status: criteria provided, single submitter. Criteria: ACMG Guidelines, 2015. Collection method: clinical testing. Allele origin: germline.
Comment: This variant is classified as likely benign based on ACMG/AMP sequence variant interpretation guidelines (Richards et al. 2015 PMID: 25741868, with internal and published modifications).

Labcorp Genetics (formerly Invitae), Labcorp
Classification: Likely benign for Nephronophthisis 9. Last evaluated: 2025-10-25. Review status: criteria provided, single submitter. Criteria: Invitae Variant Classification Sherloc (09022015). Collection method: clinical testing. Allele origin: germline.

CeGaT Center for Human Genetics Tuebingen
Classification: Likely benign. Last evaluated: 2024-09-01. Review status: criteria provided, single submitter. Criteria: CeGaT Center For Human Genetics Tuebingen Variant Classification Criteria Version 2. Collection method: clinical testing. Allele origin: germline. Affected: yes. Observed: 1 variant allele.
Comment: NEK8: BP4, BP7

Blueprint Genetics
Classification: Likely benign. Last evaluated: 2022-08-29. Review status: criteria provided, single submitter. Criteria: ACMG Guidelines, 2015. Collection method: clinical testing. Allele origin: germline.

Eurofins Ntd Llc (ga)
Classification: Uncertain significance. Last evaluated: 2016-09-08. Review status: criteria provided, single submitter. Criteria: EGL Classification Definitions 2015. Collection method: clinical testing. Allele origin: germline. Observed: 1 variant allele, 1 heterozygote.

Clinical Genetics DNA and cytogenetics Diagnostics Lab, Erasmus MC, Erasmus Medical Center
Classification: Likely benign. Review status: no assertion criteria provided. Collection method: clinical testing. Allele origin: germline. Affected: yes. Study: VKGL Data-share Consensus. Not counted in ClinVar's aggregate classification.

Genome Diagnostics Laboratory, University Medical Center Utrecht
Classification: Likely benign. Review status: no assertion criteria provided. Collection method: clinical testing. Allele origin: germline. Affected: yes. Study: VKGL Data-share Consensus. Not counted in ClinVar's aggregate classification.

NM_178170.3(NEK8):c.294C>G (p.Ser98=)

Gene: NEK8 (NIMA related kinase 8; plus strand). Cytogenetic location: 17q11.2.
Variant type: single nucleotide variant.
Coding change: c.294C>G on transcript NM_178170.3 (MANE Select); coding-DNA position 294, C replaced by G.
Protein change: p.Ser98=; no amino-acid change (serine 98 retained).
Molecular consequence: synonymous variant.
Genome position (GRCh38, 1-based): chr17:28,734,812, C>G. VCF-style: chr17-28734812-C-G. GRCh37 (hg19) VCF-style: chr17-27061830-C-G.
Identifiers: ClinVar variation 290003 (VCV000290003.32), dbSNP rs140255077, ClinGen allele CA8467059.